The following is an entry in ClinVar:

ClinVar aggregate classification (germline): Uncertain significance (1 of 4 stars; one submission).

Conditions:
RP1L1-related disorder. Also called: RP1L1-related condition.

gnomAD v4.1: 62 of 1,613,062 alleles (0.0038%); highest among the groups gnomAD compares: Non-Finnish European, 0.0049%; no homozygotes.

Submission:

PreventionGenetics, part of Exact Sciences
Classification: Uncertain significance for RP1L1-related condition. Last evaluated: 2025-08-19. Review status: criteria provided, single submitter. Criteria: ACMG Guidelines, 2015. Collection method: clinical testing. Allele origin: germline.
Comment: The RP1L1 c.1753A>G variant is predicted to result in the amino acid substitution p.Arg585Gly. To our knowledge, this variant has not been reported in the literature. This variant is reported in 0.0065% of alleles in individuals of African descent in gnomAD. At this time, the clinical significance of this variant is uncertain due to the absence of conclusive functional and genetic evidence.

NM_178857.6(RP1L1):c.1753A>G (p.Arg585Gly)

Gene: RP1L1 (RP1 like 1). Cytogenetic location: 8p23.1.
Variant type: single nucleotide variant.
Coding change: c.1753A>G on transcript NM_178857.6 (MANE Select); coding-DNA position 1753, A replaced by G.
Protein change: p.Arg585Gly; replaces arginine 585 with glycine.
Molecular consequence: missense variant.
Genome position (GRCh38, 1-based): chr8:10,612,345, T>C on the plus strand (A>G on the coding strand, the complement: RP1L1 is on the minus strand). VCF-style: chr8-10612345-T-C. GRCh37 (hg19) VCF-style: chr8-10469855-T-C.
Other names: short protein forms R585G.
Identifiers: ClinVar variation 4990623 (VCV004990623.1).